The following is an entry in ClinVar:

ClinVar aggregate classification (germline): Likely pathogenic (1 of 4 stars; one submission).

Submission:

GeneDx
Classification: Likely pathogenic. Last evaluated: 2025-12-19. Review status: criteria provided, single submitter. Criteria: GeneDx Variant Classification Process June 2021. Collection method: clinical testing. Allele origin: germline.
Comment: Not observed at significant frequency in large population cohorts (gnomAD); In-frame deletion of 1 amino acid(s) in a non-repeat region; In silico analysis supports a deleterious effect on protein structure/function; Has not been previously published as pathogenic or benign to our knowledge

NM_031407.7(HUWE1):c.4124TGA[1] (p.Met1376del)

Gene: HUWE1 (HECT, UBA and WWE domain containing E3 ubiquitin protein ligase 1; minus strand). Cytogenetic location: Xp11.22.
Variant type: Microsatellite.
Coding change: c.4124TGA[1] on transcript NM_031407.7 (MANE Select); one copy of the 3-base unit TGA starting at c.4124; the reference has two copies in a row; one copy, 3 bases deleted.
Protein change: p.Met1376del; deletes methionine 1376.
Genome position (GRCh38, 1-based): chrX:53,590,466-53,590,468, TCA deleted on the plus strand (TGA on the coding strand, the reverse complement: HUWE1 is on the minus strand); deleting any 3 consecutive bases within chrX:53,590,466-53,590,473 gives the same sequence; the position shown is the placement nearest the transcript's 3' end. VCF-style (leftmost placement, unchanged base first): chrX-53590465-CTCA-C. GRCh37 (hg19) VCF-style: chrX-53617425-CTCA-C.
Other names: short protein forms M1376del.
Identifiers: ClinVar variation 3893548 (VCV003893548.2).